The following is an entry in ClinVar:

ClinVar aggregate classification (germline): Benign (0 of 4 stars; one submission).

Conditions:
DMXL1-related disorder. Also called: DMXL1-related condition.

Allele frequency attached by ClinVar (database versions not stated): 1000 Genomes Project 30x 0.03420; 1000 Genomes Project 0.03634; TOPMed 0.03642; ESP Exome Variant Server 0.03876; gnomAD 0.04384; ExAC 0.04896; gnomAD exomes 0.05080.

Submission:

PreventionGenetics, part of Exact Sciences
Classification: Benign for DMXL1-related condition. Last evaluated: 2019-11-18. Review status: no assertion criteria provided. Collection method: clinical testing. Allele origin: germline.
Comment: This variant is classified as benign based on ACMG/AMP sequence variant interpretation guidelines (Richards et al. 2015 PMID: 25741868, with internal and published modifications).

NM_001290321.3(DMXL1):c.6321A>G (p.Thr2107=)

Gene: DMXL1 (Dmx like 1; plus strand). Cytogenetic location: 5q23.1.
Variant type: single nucleotide variant.
Coding change: c.6321A>G on transcript NM_001290321.3 (MANE Select); coding-DNA position 6321, A replaced by G.
Protein change: p.Thr2107=; no amino-acid change (threonine 2107 retained).
Molecular consequence: synonymous variant. On other transcripts: non-coding transcript variant (3).
Genome position (GRCh38, 1-based): chr5:119,171,112, A>G. VCF-style: chr5-119171112-A-G. GRCh37 (hg19) VCF-style: chr5-118506807-A-G.
Other names: c.6321A>G, p.Thr2107= (NM_001349239.2, NM_001349240.2, NM_001387933.1 and 2 more transcripts); c.5616A>G, p.Thr1872= (NM_001387937.1); c.5334A>G, p.Thr1778= (NM_001387938.1).
Identifiers: ClinVar variation 3056186 (VCV003056186.2), dbSNP rs76475084, ClinGen allele CA3380532.
Genomic context (GRCh38, chr5:119,171,112, plus strand): 5'-TGGCAGAAATGAAGATGAATTTGGATTAAATGAGGATGCTGAAGATTTGCCTCACCAAAC[A>G]AAAGTGAAACAACTGAGAGAAAATTTTCAGGAAAAAAGACAGTGGCTCTTGAAGTATCAG-3'
Protein context (NP_001277250.1, residues 2097-2117): NEDAEDLPHQ[Thr2107=]KVKQLRENFQ